The following is an entry in ClinVar:

NM_005751.5(AKAP9):c.1879A>T (p.Thr627Ser)

Gene: AKAP9 (A-kinase anchoring protein 9; plus strand). Cytogenetic location: 7q21.2.
Variant type: single nucleotide variant.
Coding change: c.1879A>T on transcript NM_005751.5 (MANE Select); coding-DNA position 1879, A replaced by T.
Protein change: p.Thr627Ser; replaces threonine 627 with serine.
Molecular consequence: missense variant.
Genome position (GRCh38, 1-based): chr7:92,001,796, A>T. VCF-style: chr7-92001796-A-T. GRCh37 (hg19) VCF-style: chr7-91631110-A-T.
Other names: c.1879A>T, p.Thr627Ser (NM_147185.3); short protein forms T627S.
Identifiers: ClinVar variation 2057885 (VCV002057885.5), dbSNP rs1799216709, ClinGen allele CA368122799.
Genomic context (GRCh38, chr7:92,001,796, plus strand): 5'-AAGAATGCTGTGTTAGACAGAATGGCTGAATCACAAGAAGCTGAATTAGAGAGGCTGAGA[A>T]CACAGCTTCTATTTAGTCACGAAGAAGAGCTTTCCAAACTGAAGGAAGATTTAGAAATTG-3'
Protein context (NP_005742.4, residues 617-637): SQEAELERLR[Thr627Ser]QLLFSHEEEL

ClinVar aggregate classification (germline): Uncertain significance. Review status: criteria provided, multiple submitters, no conflicts (2 of 4 stars). 2 submissions from 2 submitters: Uncertain significance (2). Last evaluated 2024-12-25.

Conditions:
Cardiovascular phenotype. Identifiers: MedGen CN230736.
Long QT syndrome (LQTS). Identifiers: MedGen C0023976, MeSH D008133, MONDO:0002442. Disease mechanism: loss of function. Inheritance: Various modes of inheritance.

gnomAD v4.1: 1 of 1,613,358 alleles (0.000062%); no homozygotes.

Submissions (2):

Labcorp Genetics (formerly Invitae), Labcorp
Classification: Uncertain significance for Long QT syndrome. Last evaluated: 2024-12-25. Review status: criteria provided, single submitter. Criteria: Invitae Variant Classification Sherloc (09022015). Collection method: clinical testing. Allele origin: germline.
Comment: This sequence change replaces threonine, which is neutral and polar, with serine, which is neutral and polar, at codon 627 of the AKAP9 protein (p.Thr627Ser). This variant is not present in population databases (gnomAD no frequency). This variant has not been reported in the literature in individuals affected with AKAP9-related conditions. ClinVar contains an entry for this variant (Variation ID: 2057885). An algorithm developed to predict the effect of missense changes on protein structure and function (PolyPhen-2) suggests that this variant is likely to be disruptive. In summary, the available evidence is currently insufficient to determine the role of this variant in disease. Therefore, it has been classified as a Variant of Uncertain Significance.

Ambry Genetics
Classification: Uncertain significance for Cardiovascular phenotype. Last evaluated: 2023-11-27. Review status: criteria provided, single submitter. Criteria: Ambry Variant Classification Scheme 2023. Collection method: clinical testing. Allele origin: germline.